The following is an entry in ClinVar:

NM_012210.4(TRIM32):c.1105G>A (p.Gly369Arg)

Genes: ASTN2 (astrotactin 2; minus strand), TRIM32 (tripartite motif containing 32; plus strand). Cytogenetic location: 9q33.1.
Variant type: single nucleotide variant.
Coding change: c.1105G>A on transcript NM_012210.4 (MANE Select); coding-DNA position 1105, G replaced by A.
Protein change: p.Gly369Arg; replaces glycine 369 with arginine.
Molecular consequence: missense variant. On other transcripts: intron variant (3).
Genome position (GRCh38, 1-based): chr9:116,698,847, G>A. VCF-style: chr9-116698847-G-A. GRCh37 (hg19) VCF-style: chr9-119461126-G-A.
Other names: c.1105G>A, p.Gly369Arg (NM_001099679.2, NM_001379048.1, NM_001379049.1 and 1 more transcripts); c.2653+26924C>T (NM_014010.5); c.2794+26924C>T (NM_001365069.1); c.2806+26924C>T (NM_001365068.1); short protein forms G369R.
Identifiers: ClinVar variation 1376924 (VCV001376924.4), dbSNP rs2132073931, ClinGen allele CA374650963.
Genomic context (GRCh38, chr9:116,698,847, plus strand): 5'-GCCTCCAATATCCAGCAGTGCCTCTTTCTCAAGAAGATGGGGGCCAAAGGCAGCACTCCA[G>A]GAATGTTCAATCTTCCAGTCAGTCTCTACGTGACCAGTCAAGGTGAAGTACTAGTCGCTG-3'
Protein context (NP_036342.2, residues 359-379): KKMGAKGSTP[Gly369Arg]MFNLPVSLYV

ClinVar aggregate classification (germline): Uncertain significance. Review status: criteria provided, multiple submitters, no conflicts (2 of 4 stars). 2 submissions from 2 submitters: Uncertain significance (2). Last evaluated 2025-11-17.

Conditions:
TRIM32-related disorder. Also called: TRIM32-related condition.
Bardet-Biedl syndrome (BBS). Identifiers: Orphanet 110, MedGen C0752166, MONDO:0015229.

Allele frequency attached by ClinVar (database versions not stated): gnomAD exomes 0.00001.
gnomAD v4.1: 5 of 1,614,224 alleles (0.00031%); highest among the groups gnomAD compares: Non-Finnish European, 0.00042%; no homozygotes.

Submissions (2):

PreventionGenetics, part of Exact Sciences
Classification: Uncertain significance for TRIM32-related condition. Last evaluated: 2025-11-17. Review status: criteria provided, single submitter. Criteria: ACMG Guidelines, 2015. Collection method: clinical testing. Allele origin: germline.
Comment: The TRIM32 c.1105G>A variant is predicted to result in the amino acid substitution p.Gly369Arg. To our knowledge, this variant has not been reported in the literature or in a large population database (gnomAD), indicating this variant is rare. At this time, the clinical significance of this variant is uncertain due to the absence of conclusive functional and genetic evidence.

Labcorp Genetics (formerly Invitae), Labcorp
Classification: Uncertain significance for Bardet-Biedl syndrome. Last evaluated: 2021-09-24. Review status: criteria provided, single submitter. Criteria: Invitae Variant Classification Sherloc (09022015). Collection method: clinical testing. Allele origin: germline.
Comment: This sequence change replaces glycine with arginine at codon 369 of the TRIM32 protein (p.Gly369Arg). The glycine residue is highly conserved and there is a moderate physicochemical difference between glycine and arginine. This variant is not present in population databases (ExAC no frequency). This variant has not been reported in the literature in individuals affected with TRIM32-related conditions. Algorithms developed to predict the effect of missense changes on protein structure and function (SIFT, PolyPhen-2, Align-GVGD) all suggest that this variant is likely to be disruptive. In summary, the available evidence is currently insufficient to determine the role of this variant in disease. Therefore, it has been classified as a Variant of Uncertain Significance.